The following is an entry in ClinVar:

ClinVar aggregate classification (germline): Uncertain significance (1 of 4 stars; one submission).

Submission:

GeneDx
Classification: Uncertain significance. Last evaluated: 2023-11-10. Review status: criteria provided, single submitter. Criteria: GeneDx Variant Classification Process June 2021. Collection method: clinical testing. Allele origin: germline. Affected: yes.
Comment: Not observed at significant frequency in large population cohorts (gnomAD); In silico analysis supports that this missense variant has a deleterious effect on protein structure/function; Has not been previously published as pathogenic or benign to our knowledge

NM_000199.5(SGSH):c.329T>A (p.Leu110Gln)

Gene: SGSH (N-sulfoglucosamine sulfohydrolase; minus strand). Cytogenetic location: 17q25.3.
Variant type: single nucleotide variant.
Coding change: c.329T>A on transcript NM_000199.5 (MANE Select); coding-DNA position 329, T replaced by A.
Protein change: p.Leu110Gln; replaces leucine 110 with glutamine.
Molecular consequence: missense variant.
Genome position (GRCh38, 1-based): chr17:80,215,059, A>T on the plus strand (T>A on the coding strand, the complement: SGSH is on the minus strand). VCF-style: chr17-80215059-A-T. GRCh37 (hg19) VCF-style: chr17-78188858-A-T.
Other names: c.329T>A, p.Leu110Gln (NM_001352921.3, NM_001352922.2); short protein forms L110Q.
Identifiers: ClinVar variation 3363892 (VCV003363892.1).